The following is an entry in ClinVar:

NM_006662.3(SRCAP):c.3304C>T (p.Pro1102Ser)

Gene: SRCAP (Snf2 related CREBBP activator protein; plus strand). Cytogenetic location: 16p11.2.
Variant type: single nucleotide variant.
Coding change: c.3304C>T on transcript NM_006662.3 (MANE Select); coding-DNA position 3304, C replaced by T.
Protein change: p.Pro1102Ser; replaces proline 1102 with serine.
Molecular consequence: missense variant.
Genome position (GRCh38, 1-based): chr16:30,721,239, C>T. VCF-style: chr16-30721239-C-T. GRCh37 (hg19) VCF-style: chr16-30732560-C-T.
Other names: short protein forms P1102S.
Identifiers: ClinVar variation 3385150 (VCV003385150.1).
Genomic context (GRCh38, chr16:30,721,239, plus strand): 5'-GTGTCTGCAGTGTTGCCATCCCCCCTGGGGGTCCTGAGTGGGACCTCACGGCCTCCCACG[C>T]CAACCTTGTCCCTAAAGCCAACACCACCTGCCCCAGTTCGCCTGAGCCCAGCCCCACCTC-3'
Protein context (NP_006653.2, residues 1092-1112): VLSGTSRPPT[Pro1102Ser]TLSLKPTPPA

ClinVar aggregate classification (germline): Uncertain significance (1 of 4 stars; one submission).

Submission:

Women's Health and Genetics/Laboratory Corporation of America, LabCorp
Classification: Uncertain significance. Last evaluated: 2024-10-22. Review status: criteria provided, single submitter. Criteria: LabCorp Variant Classification Summary - May 2015. Collection method: clinical testing. Allele origin: germline.
Comment: Variant summary: SRCAP c.3304C>T (p.Pro1102Ser) results in a non-conservative amino acid change in the encoded protein sequence. Five of five in-silico tools predict a damaging effect of the variant on protein function. The variant was absent in 249248 control chromosomes. The available data on variant occurrences in the general population are insufficient to allow any conclusion about variant significance. To our knowledge, no occurrence of c.3304C>T in individuals affected with Floating-Harbor Syndrome and no experimental evidence demonstrating its impact on protein function have been reported. No submitters have cited clinical-significance assessments for this variant to ClinVar. Based on the evidence outlined above, the variant was classified as uncertain significance.